The following is an entry in ClinVar:

NM_001171613.2(PREPL):c.1106T>C (p.Met369Thr)

Gene: PREPL (prolyl endopeptidase like; minus strand). Cytogenetic location: 2p21.
Variant type: single nucleotide variant.
Coding change: c.1106T>C on transcript NM_001171613.2 (MANE Select); coding-DNA position 1106, T replaced by C.
Protein change: p.Met369Thr; replaces methionine 369 with threonine.
Molecular consequence: missense variant.
Genome position (GRCh38, 1-based): chr2:44,329,093, A>G on the plus strand (T>C on the coding strand, the complement: PREPL is on the minus strand). VCF-style: chr2-44329093-A-G. GRCh37 (hg19) VCF-style: chr2-44556232-A-G.
Other names: c.1187T>C, p.Met396Thr (NM_001042385.2); c.1175T>C, p.Met392Thr (NM_001042386.2); c.1373T>C, p.Met458Thr (NM_001171603.1, NM_001171606.2, NM_001374275.1 and 2 more transcripts); c.1106T>C, p.Met369Thr (NM_001171617.1, NM_001374277.1); short protein forms M369T, M392T, M396T, M458T.
Identifiers: ClinVar variation 2115821 (VCV002115821.3), dbSNP rs1382255239, ClinGen allele CA346690689.

ClinVar aggregate classification (germline): Uncertain significance (1 of 4 stars; one submission).

Conditions:
Myasthenic syndrome, congenital, 22 (CMS22). Also called: PREPL DEFICIENCY. Identifiers: MedGen C4479088, MONDO:0044299, OMIM 616224.

Allele frequency attached by ClinVar (database versions not stated): gnomAD exomes below 0.00001.
gnomAD v4.1: 1 of 1,601,066 alleles (0.000062%); highest among the groups gnomAD compares: Admixed American, 0.0017%; no homozygotes.

Submission:

Labcorp Genetics (formerly Invitae), Labcorp
Classification: Uncertain significance for Myasthenic syndrome, congenital, 22. Last evaluated: 2022-06-25. Review status: criteria provided, single submitter. Criteria: Invitae Variant Classification Sherloc (09022015). Collection method: clinical testing. Allele origin: germline.
Comment: In summary, the available evidence is currently insufficient to determine the role of this variant in disease. Therefore, it has been classified as a Variant of Uncertain Significance. Algorithms developed to predict the effect of missense changes on protein structure and function are either unavailable or do not agree on the potential impact of this missense change (SIFT: "Deleterious"; PolyPhen-2: "Benign"; Align-GVGD: "Class C25"). This variant has not been reported in the literature in individuals affected with PREPL-related conditions. This variant is present in population databases (no rsID available, gnomAD 0.003%). This sequence change replaces methionine, which is neutral and non-polar, with threonine, which is neutral and polar, at codon 458 of the PREPL protein (p.Met458Thr).